The following is an entry in ClinVar:

NM_001256789.3(CACNA1F):c.1956C>G (p.Leu652=)

Gene: CACNA1F (calcium voltage-gated channel subunit alpha1 F; minus strand). Cytogenetic location: Xp11.23.
Variant type: single nucleotide variant.
Coding change: c.1956C>G on transcript NM_001256789.3 (MANE Select); coding-DNA position 1956, C replaced by G.
Protein change: p.Leu652=; no amino-acid change (leucine 652 retained).
Molecular consequence: synonymous variant.
Genome position (GRCh38, 1-based): chrX:49,223,058, G>C on the plus strand (C>G on the coding strand, the complement: CACNA1F is on the minus strand). VCF-style: chrX-49223058-G-C. GRCh37 (hg19) VCF-style: chrX-49079517-G-C.
Other names: c.1794C>G, p.Leu598= (NM_001256790.3); c.1989C>G, p.Leu663= (NM_005183.4).
Identifiers: ClinVar variation 4990602 (VCV004990602.1).
Genomic context (GRCh38, chrX:49,223,058, plus strand): 5'-GTTGAACTTGCCCCCAAACAGCTGCATGCCAAGCAGGGAGAAGATAATGATGAAGAGGAA[G>C]AGGAGAAGCAGCAAGGATGCGATGGATTTCATTGAATTGAGCAGGGATGCCACCAGATTG-3'
Protein context (NP_001243718.1, residues 642-662): MKSIASLLLL[Leu652=]FLFIIIFSLL

ClinVar aggregate classification (germline): Likely benign (1 of 4 stars; one submission).

Conditions:
CACNA1F-related disorder. Also called: CACNA1F-related condition.

Submission:

PreventionGenetics, part of Exact Sciences
Classification: Likely benign for CACNA1F-related condition. Last evaluated: 2024-12-02. Review status: criteria provided, single submitter. Criteria: ACMG Guidelines, 2015. Collection method: clinical testing. Allele origin: germline.
Comment: This variant is classified as likely benign based on ACMG/AMP sequence variant interpretation guidelines (Richards et al. 2015 PMID: 25741868, with internal and published modifications).